The following is an entry in ClinVar:

NM_005027.4(PIK3R2):c.1669G>A (p.Asp557Asn)

Gene: PIK3R2 (phosphoinositide-3-kinase regulatory subunit 2; plus strand). Cytogenetic location: 19p13.11.
Variant type: single nucleotide variant.
Coding change: c.1669G>A on transcript NM_005027.4 (MANE Select); coding-DNA position 1669, G replaced by A.
Protein change: p.Asp557Asn; replaces aspartic acid 557 with asparagine.
Molecular consequence: missense variant. On other transcripts: non-coding transcript variant (2).
Genome position (GRCh38, 1-based): chr19:18,167,239, G>A. VCF-style: chr19-18167239-G-A. GRCh37 (hg19) VCF-style: chr19-18278049-G-A.
Other names: short protein forms D557N.
Identifiers: ClinVar variation 1307678 (VCV001307678.2), dbSNP rs372272045, ClinGen allele CA404814104.

ClinVar aggregate classification (germline): Uncertain significance (1 of 4 stars; one submission).

Allele frequency attached by ClinVar (database versions not stated): gnomAD exomes below 0.00001.
gnomAD v4.1: 2 of 1,612,994 alleles (0.00012%); highest among the groups gnomAD compares: Non-Finnish European, 0.00017%; no homozygotes.

Submission:

GeneDx
Classification: Uncertain significance. Last evaluated: 2019-08-20. Review status: criteria provided, single submitter. Criteria: GeneDx Variant Classification Process June 2021. Collection method: clinical testing. Allele origin: germline. Affected: yes.
Comment: Not observed in large population cohorts (Lek et al., 2016); In silico analysis, which includes protein predictors and evolutionary conservation, supports a deleterious effect; Has not been previously published as pathogenic or benign to our knowledge